The following is an entry in ClinVar:

NM_001563.4(IMPG1):c.974T>C (p.Phe325Ser)

Gene: IMPG1 (interphotoreceptor matrix proteoglycan 1; minus strand). Cytogenetic location: 6q14.1.
Variant type: single nucleotide variant.
Coding change: c.974T>C on transcript NM_001563.4 (MANE Select); coding-DNA position 974, T replaced by C.
Protein change: p.Phe325Ser; replaces phenylalanine 325 with serine.
Molecular consequence: missense variant.
Genome position (GRCh38, 1-based): chr6:76,005,448, A>G on the plus strand (T>C on the coding strand, the complement: IMPG1 is on the minus strand). VCF-style: chr6-76005448-A-G. GRCh37 (hg19) VCF-style: chr6-76715165-A-G.
Other names: c.740T>C, p.Phe247Ser (NM_001282368.2); c.974T>C (NM_001563.2); short protein forms F247S, F325S.
Identifiers: ClinVar variation 1036530 (VCV001036530.9), dbSNP rs147208984, ClinGen allele CA141083816.

ClinVar aggregate classification (germline): Uncertain significance. Review status: criteria provided, multiple submitters, no conflicts (2 of 4 stars). 2 submissions from 2 submitters: Uncertain significance (2). Last evaluated 2025-06-06.

Allele frequency attached by ClinVar (database versions not stated): gnomAD exomes below 0.00001 and 0.00001; gnomAD 0.00002 and 0.00003; TOPMed 0.00003; ESP Exome Variant Server 0.00008.
gnomAD v4.1: 7 of 1,613,958 alleles (0.00043%); highest among the groups gnomAD compares: African/African-American, 0.0093%; no homozygotes.

Submissions (2):

Ambry Genetics
Classification: Uncertain significance. Last evaluated: 2025-06-06. Review status: criteria provided, single submitter. Criteria: Ambry Variant Classification Scheme 2023. Collection method: clinical testing. Allele origin: germline.

Labcorp Genetics (formerly Invitae), Labcorp
Classification: Uncertain significance. Last evaluated: 2020-06-05. Review status: criteria provided, single submitter. Criteria: Invitae Variant Classification Sherloc (09022015). Collection method: clinical testing. Allele origin: germline.
Comment: This sequence change replaces phenylalanine with serine at codon 325 of the IMPG1 protein (p.Phe325Ser). The phenylalanine residue is weakly conserved and there is a large physicochemical difference between phenylalanine and serine. This variant is not present in population databases (ExAC no frequency). This variant has not been reported in the literature in individuals with IMPG1-related conditions. Algorithms developed to predict the effect of missense changes on protein structure and function (SIFT, PolyPhen-2, Align-GVGD) all suggest that this variant is likely to be disruptive, but these predictions have not been confirmed by published functional studies and their clinical significance is uncertain. In summary, the available evidence is currently insufficient to determine the role of this variant in disease. Therefore, it has been classified as a Variant of Uncertain Significance.